The following is an entry in ClinVar:

ClinVar aggregate classification (germline): Uncertain significance (1 of 4 stars; one submission).

Submission:

Women's Health and Genetics/Laboratory Corporation of America, LabCorp
Classification: Uncertain significance. Last evaluated: 2025-02-27. Review status: criteria provided, single submitter. Criteria: LabCorp Variant Classification Summary - May 2015. Collection method: clinical testing. Allele origin: germline.
Comment: Variant summary: ADCY6 c.2529delT (p.Phe843LeufsX55) results in a premature termination codon, predicted to cause a truncation of the encoded protein or absence of the protein due to nonsense mediated decay, however current evidence is not sufficient to establish loss of function as a mechanism for disease. The variant was absent in 251324 control chromosomes. The available data on variant occurrences in the general population are insufficient to allow any conclusion about variant significance. To our knowledge, no occurrence of c.2529delT in individuals affected with Lethal Congenital Contracture Syndrome 8 and no experimental evidence demonstrating its impact on protein function have been reported. No submitters have cited clinical-significance assessments for this variant to ClinVar. Based on the evidence outlined above, the variant was classified as uncertain significance.

NM_015270.5(ADCY6):c.2529del (p.Phe843fs)

Gene: ADCY6 (adenylate cyclase 6; minus strand). Cytogenetic location: 12q13.12.
Variant type: Deletion.
Coding change: c.2529del on transcript NM_015270.5 (MANE Select); coding-DNA position 2529, one base deleted (T; older notation c.2529delT).
Protein change: p.Phe843fs; shifts the reading frame from phenylalanine 843.
Molecular consequence: frameshift variant. On other transcripts: non-coding transcript variant (1).
Genome position (GRCh38, 1-based): chr12:48,773,561, A deleted on the plus strand (T on the coding strand, the reverse complement: ADCY6 is on the minus strand); the first of 3 consecutive A bases (chr12:48,773,561-48,773,563); deleting any one gives the same sequence. VCF-style (leftmost placement, unchanged base first): chr12-48773560-CA-C. GRCh37 (hg19) VCF-style: chr12-49167343-CA-C.
Other names: c.2370del, p.Phe790fs (NM_001390830.1); c.2529del, p.Phe843fs (NM_001390831.2, NM_001412819.1, NM_001412820.1 and 2 more transcripts); c.2529delT (NM_015270.5); short protein forms F790fs, F843fs.
Identifiers: ClinVar variation 3769025 (VCV003769025.1).